The following is an entry in ClinVar:

ClinVar aggregate classification (germline): Uncertain significance (1 of 4 stars; one submission).

Conditions:
ADSL-related disorder. Also called: ADSL-related condition.

gnomAD v4.1: 8 of 1,614,144 alleles (0.0005%); highest among the groups gnomAD compares: South Asian, 0.0088%; no homozygotes.

Submission:

PreventionGenetics, part of Exact Sciences
Classification: Uncertain significance for ADSL-related condition. Last evaluated: 2025-07-15. Review status: criteria provided, single submitter. Criteria: ACMG Guidelines, 2015. Collection method: clinical testing. Allele origin: germline.
Comment: The ADSL c.229G>A variant is predicted to result in the amino acid substitution p.Ala77Thr. To our knowledge, this variant has not been reported in the literature. This variant is reported in 0.0098% of alleles in individuals of South Asian descent in gnomAD. At this time, the clinical significance of this variant is uncertain due to the absence of conclusive functional and genetic evidence.

NM_000026.4(ADSL):c.229G>A (p.Ala77Thr)

Gene: ADSL (adenylosuccinate lyase; plus strand). Cytogenetic location: 22q13.1.
Variant type: single nucleotide variant.
Coding change: c.229G>A on transcript NM_000026.4 (MANE Select); coding-DNA position 229, G replaced by A.
Protein change: p.Ala77Thr; replaces alanine 77 with threonine.
Molecular consequence: missense variant. On other transcripts: non-coding transcript variant (1).
Genome position (GRCh38, 1-based): chr22:40,349,907, G>A. VCF-style: chr22-40349907-G-A. GRCh37 (hg19) VCF-style: chr22-40745911-G-A.
Other names: c.229G>A, p.Ala77Thr (NM_001123378.3, NM_001363840.3, NM_001410812.1 and 2 more transcripts); c.37G>A, p.Ala13Thr (NM_001317923.2); short protein forms A77T, A13T.
Identifiers: ClinVar variation 4983226 (VCV004983226.1).